The following is an entry in ClinVar:

NM_032043.3(BRIP1):c.1700A>T (p.Lys567Ile)

Gene: BRIP1 (BRCA1 interacting DNA helicase 1; minus strand). Cytogenetic location: 17q23.2.
Variant type: single nucleotide variant.
Coding change: c.1700A>T on transcript NM_032043.3 (MANE Select); coding-DNA position 1700, A replaced by T.
Protein change: p.Lys567Ile; replaces lysine 567 with isoleucine.
Molecular consequence: missense variant.
Genome position (GRCh38, 1-based): chr17:61,780,934, T>A on the plus strand (A>T on the coding strand, the complement: BRIP1 is on the minus strand). VCF-style: chr17-61780934-T-A. GRCh37 (hg19) VCF-style: chr17-59858295-T-A.
Other names: short protein forms K567I.
Identifiers: ClinVar variation 4216234 (VCV004216234.1).
Genomic context (GRCh38, chr17:61,780,934, plus strand): 5'-TGAACTGCAGTTTTCTGTCGTGAACGTTTCTTATTTTTTGGTAGAACCAACAACCCATTT[T>A]TGTCTGAAATATCAATCTGATTTGTCCAGGAGTAAGTCTGTTGAATCGCAATTTTATAAT-3'
Protein context (NP_114432.2, residues 557-577): SWTNQIDISD[Lys567Ile]NGLLVLPKNK

ClinVar aggregate classification (germline): Uncertain significance (1 of 4 stars; one submission).

Conditions:
Hereditary cancer-predisposing syndrome. Also called: Hereditary Cancer Syndrome; Hereditary neoplastic syndrome; Neoplastic Syndromes, Hereditary; Tumor predisposition. Identifiers: Orphanet 140162, MedGen C0027672, MeSH D009386, MONDO:0015356.

Submission:

Ambry Genetics
Classification: Uncertain significance for Hereditary cancer-predisposing syndrome. Last evaluated: 2025-07-09. Review status: criteria provided, single submitter. Criteria: Ambry Variant Classification Scheme 2023. Collection method: clinical testing. Allele origin: germline.
Comment: The p.K567I variant (also known as c.1700A>T), located in coding exon 11 of the BRIP1 gene, results from an A to T substitution at nucleotide position 1700. The lysine at codon 567 is replaced by isoleucine, an amino acid with dissimilar properties. This amino acid position is conserved. In addition, this alteration is predicted to be tolerated by in silico analysis. Based on the available evidence, the clinical significance of this variant remains unclear.